The following is an entry in ClinVar:

NM_003737.4(DCHS1):c.2962G>A (p.Val988Ile)

Gene: DCHS1 (dachsous cadherin-related 1; minus strand). Cytogenetic location: 11p15.4.
Variant type: single nucleotide variant.
Coding change: c.2962G>A on transcript NM_003737.4 (MANE Select); coding-DNA position 2962, G replaced by A.
Protein change: p.Val988Ile; replaces valine 988 with isoleucine.
Molecular consequence: missense variant.
Genome position (GRCh38, 1-based): chr11:6,632,550, C>T on the plus strand (G>A on the coding strand, the complement: DCHS1 is on the minus strand). VCF-style: chr11-6632550-C-T. GRCh37 (hg19) VCF-style: chr11-6653781-C-T.
Other names: short protein forms V988I.
Identifiers: ClinVar variation 2891784 (VCV002891784.3), dbSNP rs754449737, ClinGen allele CA217299346.

ClinVar aggregate classification (germline): Uncertain significance (1 of 4 stars; one submission).

gnomAD v4.1: 11 of 1,526,392 alleles (0.00072%); highest among the groups gnomAD compares: Non-Finnish European, 0.00097%; no homozygotes.

Submission:

Labcorp Genetics (formerly Invitae), Labcorp
Classification: Uncertain significance. Last evaluated: 2022-12-23. Review status: criteria provided, single submitter. Criteria: Invitae Variant Classification Sherloc (09022015). Collection method: clinical testing. Allele origin: germline.
Comment: This sequence change replaces valine, which is neutral and non-polar, with isoleucine, which is neutral and non-polar, at codon 988 of the DCHS1 protein (p.Val988Ile). The frequency data for this variant in the population databases is considered unreliable, as metrics indicate poor data quality at this position in the gnomAD database. This variant has not been reported in the literature in individuals affected with DCHS1-related conditions. Advanced modeling of protein sequence and biophysical properties (such as structural, functional, and spatial information, amino acid conservation, physicochemical variation, residue mobility, and thermodynamic stability) performed at Invitae indicates that this missense variant is not expected to disrupt DCHS1 protein function. In summary, the available evidence is currently insufficient to determine the role of this variant in disease. Therefore, it has been classified as a Variant of Uncertain Significance.